The following is an entry in ClinVar:

ClinVar aggregate classification (germline): Uncertain significance. Review status: criteria provided, multiple submitters, no conflicts (2 of 4 stars). 2 submissions from 2 submitters: Uncertain significance (2). Last evaluated 2025-12-30.

Allele frequency attached by ClinVar (database versions not stated): ESP Exome Variant Server 0.00008; TOPMed 0.00005.
gnomAD v4.1: 19 of 1,613,902 alleles (0.0012%); highest among the groups gnomAD compares: African/African-American, 0.02%; no homozygotes.

Submissions (2):

Labcorp Genetics (formerly Invitae), Labcorp
Classification: Uncertain significance. Last evaluated: 2025-12-30. Review status: criteria provided, single submitter. Criteria: Invitae Variant Classification Sherloc (09022015). Collection method: clinical testing. Allele origin: germline.
Comment: This sequence change replaces alanine, which is neutral and non-polar, with threonine, which is neutral and polar, at codon 636 of the C3 protein (p.Ala636Thr). This variant is present in population databases (rs145886287, gnomAD 0.01%). This variant has not been reported in the literature in individuals affected with C3-related conditions. ClinVar contains an entry for this variant (Variation ID: 2909437). Invitae Evidence Modeling of protein sequence and biophysical properties (such as structural, functional, and spatial information, amino acid conservation, physicochemical variation, residue mobility, and thermodynamic stability) indicates that this missense variant is not expected to disrupt C3 protein function with a negative predictive value of 80%. In summary, the available evidence is currently insufficient to determine the role of this variant in disease. Therefore, it has been classified as a Variant of Uncertain Significance.

Mayo Clinic Laboratories, Mayo Clinic
Classification: Uncertain significance. Last evaluated: 2023-12-04. Review status: criteria provided, single submitter. Criteria: ACMG Guidelines, 2015. Collection method: clinical testing. Allele origin: germline. Observed: 1 variant allele.
Comment: PP2

NM_000064.4(C3):c.1906G>A (p.Ala636Thr)

Gene: C3 (complement C3; minus strand). Cytogenetic location: 19p13.3.
Variant type: single nucleotide variant.
Coding change: c.1906G>A on transcript NM_000064.4 (MANE Select); coding-DNA position 1906, G replaced by A.
Protein change: p.Ala636Thr; replaces alanine 636 with threonine.
Molecular consequence: missense variant.
Genome position (GRCh38, 1-based): chr19:6,707,869, C>T on the plus strand (G>A on the coding strand, the complement: C3 is on the minus strand). VCF-style: chr19-6707869-C-T. GRCh37 (hg19) VCF-style: chr19-6707880-C-T.
Other names: p.Ala636Thr; short protein forms A636T.
Identifiers: ClinVar variation 2909437 (VCV002909437.4), dbSNP rs145886287, ClinGen allele CA304793501.